The following is an entry in ClinVar:

ClinVar aggregate classification (germline): Uncertain significance (1 of 4 stars; one submission).

Conditions:
Retinitis pigmentosa 12 (RP12). Also called: RP WITH OR WITHOUT PPRPE; RP WITH OR WITHOUT PRESERVED PARAARTERIOLE RETINAL PIGMENT EPITHELIUM; RETINITIS PIGMENTOSA WITH OR WITHOUT PARAARTERIOLAR PRESERVATION OF RETINAL PIGMENT EPITHELIUM. Identifiers: Orphanet 791, MedGen C1838647, MONDO:0010818, OMIM 600105.
Leber congenital amaurosis 8 (LCA8). Identifiers: Orphanet 65, MedGen C3151202, MONDO:0013453, OMIM 613835.

gnomAD v4.1: 15 of 1,613,734 alleles (0.00093%); highest among the groups gnomAD compares: South Asian, 0.012%; no homozygotes.

Submission:

Labcorp Genetics (formerly Invitae), Labcorp
Classification: Uncertain significance for Leber congenital amaurosis 8; Retinitis pigmentosa 12. Last evaluated: 2024-12-02. Review status: criteria provided, single submitter. Criteria: Invitae Variant Classification Sherloc (09022015). Collection method: clinical testing. Allele origin: germline.
Comment: This sequence change replaces threonine, which is neutral and polar, with lysine, which is basic and polar, at codon 289 of the CRB1 protein (p.Thr289Lys). This variant is present in population databases (rs62636263, gnomAD 0.01%). This variant has not been reported in the literature in individuals affected with CRB1-related conditions. ClinVar contains an entry for this variant (Variation ID: 2012671). Invitae Evidence Modeling of protein sequence and biophysical properties (such as structural, functional, and spatial information, amino acid conservation, physicochemical variation, residue mobility, and thermodynamic stability) has been performed for this missense variant. However, the output from this modeling did not meet the statistical confidence thresholds required to predict the impact of this variant on CRB1 protein function. In summary, the available evidence is currently insufficient to determine the role of this variant in disease. Therefore, it has been classified as a Variant of Uncertain Significance.

NM_201253.3(CRB1):c.866C>A (p.Thr289Lys)

Gene: CRB1 (crumbs cell polarity complex component 1; plus strand). Cytogenetic location: 1q31.3.
Variant type: single nucleotide variant.
Coding change: c.866C>A on transcript NM_201253.3 (MANE Select); coding-DNA position 866, C replaced by A.
Protein change: p.Thr289Lys; replaces threonine 289 with lysine.
Molecular consequence: missense variant. On other transcripts: non-coding transcript variant (2), intron variant (1).
Genome position (GRCh38, 1-based): chr1:197,347,357, C>A. VCF-style: chr1-197347357-C-A. GRCh37 (hg19) VCF-style: chr1-197316487-C-A.
Other names: c.659C>A, p.Thr220Lys (NM_001257965.2); c.866C>A, p.Thr289Lys (NM_001257966.2); c.653-9474C>A (NM_001193640.2); short protein forms T289K, T220K.
Identifiers: ClinVar variation 2012671 (VCV002012671.3), dbSNP rs62636263, ClinGen allele CA1311747.